The following is an entry in ClinVar:

ClinVar aggregate classification (germline): Likely pathogenic. Review status: criteria provided, multiple submitters, no conflicts (2 of 4 stars). 3 submissions from 3 submitters: Likely pathogenic (3). Last evaluated 2026-01-13.

Conditions:
Bardet-Biedl syndrome 10 (BBS10). Identifiers: Orphanet 110, MedGen C1859568, MONDO:0014438, OMIM 615987.

Submissions (3):

Natera, Inc.
Classification: Likely pathogenic for Bardet-Biedl syndrome type 10. Last evaluated: 2026-01-13. Review status: criteria provided, single submitter. Criteria: Natera Variant Classification Schema (03/2026). Collection method: clinical testing. Allele origin: germline.
Comment: The c.2137_2140del variant in BBS10 is a frameshift variant predicted to elongate the protein beyond the termination codon. This variant may result in a truncated or dysfunctional protein product. This variant is rare in the general population with a frequency below the threshold expected for the associated phenotype(s). This variant has been observed in one or more individuals affected with the associated recessive disease, as either homozygous or compound heterozygous with a second variant (PMID: 31951329). This variant has been identified in one or more affected individual with a phenotype highly consistent with the associated gene (PMID: 31951329). Given the available evidence, this variant is classified as Likely Pathogenic.

GeneDx
Classification: Likely pathogenic. Last evaluated: 2025-03-03. Review status: criteria provided, single submitter. Criteria: GeneDx Variant Classification Process June 2021. Collection method: clinical testing. Allele origin: germline. Affected: yes.
Comment: Reported in a patient with Bardet-Biedl syndrome who harbored a second BBS10 variant in unknown phase (PMID: 28143435); Frameshift variant predicted to result in abnormal protein length as the last 11 amino acid(s) are replaced with 8 different amino acid(s); Not observed at significant frequency in large population cohorts (gnomAD); This variant is associated with the following publications: (PMID: 36460718, 28143435, 37003573)

Baylor Genetics
Classification: Likely pathogenic for Bardet-Biedl syndrome 10. Last evaluated: 2022-05-24. Review status: criteria provided, single submitter. Criteria: ACMG Guidelines, 2015. Collection method: clinical testing. Allele origin: unknown.

Literature cited by the submitters: PubMed 31951329 (cited by Natera, Inc.).

NM_024685.4(BBS10):c.2137_2140del (p.Lys713fs)

Gene: BBS10 (Bardet-Biedl syndrome 10; minus strand). Cytogenetic location: 12q21.2.
Variant type: Deletion.
Coding change: c.2137_2140del on transcript NM_024685.4 (MANE Select); coding-DNA positions 2137 to 2140, 4 bases deleted (AAAG; older notation c.2137_2140delAAAG).
Protein change: p.Lys713fs; shifts the reading frame from lysine 713.
Molecular consequence: frameshift variant.
Genome position (GRCh38, 1-based): chr12:76,345,845-76,345,848, CTTT deleted on the plus strand (AAAG on the coding strand, the reverse complement: BBS10 is on the minus strand); deleting any 4 consecutive bases within chr12:76,345,845-76,345,850 gives the same sequence; the c. name uses the placement nearest the transcript's 3' end. VCF-style (leftmost placement, unchanged base first): chr12-76345844-ACTTT-A. GRCh37 (hg19) VCF-style: chr12-76739624-ACTTT-A.
Other names: c.2137_2140del (NM_024685.3); c.2137_2140del, p.Lys713fs (LRG_1255t1); short protein forms K713fs.
Identifiers: ClinVar variation 503772 (VCV000503772.5), dbSNP rs1555202538, ClinGen allele CA658797933.